The following is an entry in ClinVar:

NM_004859.4(CLTC):c.1568G>A (p.Arg523Gln)

Gene: CLTC (clathrin heavy chain; plus strand). Cytogenetic location: 17q23.1.
Variant type: single nucleotide variant.
Coding change: c.1568G>A on transcript NM_004859.4 (MANE Select); coding-DNA position 1568, G replaced by A.
Protein change: p.Arg523Gln; replaces arginine 523 with glutamine.
Molecular consequence: missense variant.
Genome position (GRCh38, 1-based): chr17:59,664,833, G>A. VCF-style: chr17-59664833-G-A. GRCh37 (hg19) VCF-style: chr17-57742194-G-A.
Other names: c.1580G>A, p.Arg527Gln (NM_001288653.2); short protein forms R523Q, R527Q.
Identifiers: ClinVar variation 2572757 (VCV002572757.2), dbSNP rs893167974, ClinGen allele CA292147813.

ClinVar aggregate classification (germline): Uncertain significance. Review status: criteria provided, multiple submitters, no conflicts (2 of 4 stars). 2 submissions from 2 submitters: Uncertain significance (2). Last evaluated 2025-06-30.

Allele frequency attached by ClinVar (database versions not stated): TOPMed below 0.00001.

Submissions (2):

Labcorp Genetics (formerly Invitae), Labcorp
Classification: Uncertain significance. Last evaluated: 2025-06-30. Review status: criteria provided, single submitter. Criteria: Invitae Variant Classification Sherloc (09022015). Collection method: clinical testing. Allele origin: germline.
Comment: This sequence change replaces arginine, which is basic and polar, with glutamine, which is neutral and polar, at codon 527 of the CLTC protein (p.Arg527Gln). This variant is not present in population databases (gnomAD no frequency). This variant has not been reported in the literature in individuals affected with CLTC-related conditions. ClinVar contains an entry for this variant (Variation ID: 2572757). Invitae Evidence Modeling of protein sequence and biophysical properties (such as structural, functional, and spatial information, amino acid conservation, physicochemical variation, residue mobility, and thermodynamic stability) indicates that this missense variant is not expected to disrupt CLTC protein function with a negative predictive value of 80%. In summary, the available evidence is currently insufficient to determine the role of this variant in disease. Therefore, it has been classified as a Variant of Uncertain Significance.

GeneDx
Classification: Uncertain significance. Last evaluated: 2023-07-16. Review status: criteria provided, single submitter. Criteria: GeneDx Variant Classification Process June 2021. Collection method: clinical testing. Allele origin: germline. Affected: yes.
Comment: Not observed at significant frequency in large population cohorts (gnomAD); In silico analysis supports that this missense variant has a deleterious effect on protein structure/function; Has not been previously published as pathogenic or benign to our knowledge